The following is an entry in ClinVar:

ClinVar aggregate classification (germline): Likely pathogenic (1 of 4 stars; one submission).

gnomAD v4.1: 14 of 1,609,682 alleles (0.00087%); highest among the groups gnomAD compares: Non-Finnish European, 0.0012%; no homozygotes.

Submission:

GeneDx
Classification: Likely pathogenic. Last evaluated: 2024-09-20. Review status: criteria provided, single submitter. Criteria: GeneDx Variant Classification Process June 2021. Collection method: clinical testing. Allele origin: germline. Affected: yes.
Comment: Canonical splice site variant predicted to result in an in-frame loss of the adjacent exon in a gene for which loss of function is a known mechanism of disease; Not observed at significant frequency in large population cohorts (gnomAD); Has not been previously published as pathogenic or benign to our knowledge

NM_012064.4(MIP):c.526-2A>C

Gene: MIP (major intrinsic protein of lens fiber; minus strand). Cytogenetic location: 12q13.3.
Variant type: single nucleotide variant.
Coding change: c.526-2A>C on transcript NM_012064.4 (MANE Select); the canonical splice acceptor site of the intron before coding-DNA position 526, A replaced by C.
Molecular consequence: splice acceptor variant.
Genome position (GRCh38, 1-based): chr12:56,453,154, T>G on the plus strand (A>C on the coding strand, the complement: MIP is on the minus strand). VCF-style: chr12-56453154-T-G. GRCh37 (hg19) VCF-style: chr12-56846938-T-G.
Identifiers: ClinVar variation 392878 (VCV000392878.3), dbSNP rs1044812718, ClinGen allele CA16606582.